The following is an entry in ClinVar:

ClinVar aggregate classification (germline): Uncertain significance (1 of 4 stars; one submission).

Submission:

Labcorp Genetics (formerly Invitae), Labcorp
Classification: Uncertain significance. Last evaluated: 2022-02-04. Review status: criteria provided, single submitter. Criteria: Invitae Variant Classification Sherloc (09022015). Collection method: clinical testing. Allele origin: germline.
Comment: In summary, the available evidence is currently insufficient to determine the role of this variant in disease. Therefore, it has been classified as a Variant of Uncertain Significance. Algorithms developed to predict the effect of missense changes on protein structure and function are either unavailable or do not agree on the potential impact of this missense change (SIFT: "Deleterious"; PolyPhen-2: "Benign"; Align-GVGD: "Class C0"). This variant has not been reported in the literature in individuals affected with MYO5B-related conditions. This variant is not present in population databases (gnomAD no frequency). This sequence change replaces asparagine, which is neutral and polar, with aspartic acid, which is acidic and polar, at codon 545 of the MYO5B protein (p.Asn545Asp).

NM_001080467.3(MYO5B):c.1633A>G (p.Asn545Asp)

Gene: MYO5B (myosin VB; minus strand). Cytogenetic location: 18q21.1.
Variant type: single nucleotide variant.
Coding change: c.1633A>G on transcript NM_001080467.3 (MANE Select); coding-DNA position 1633, A replaced by G.
Protein change: p.Asn545Asp; replaces asparagine 545 with aspartic acid.
Molecular consequence: missense variant.
Genome position (GRCh38, 1-based): chr18:49,954,348, T>C on the plus strand (A>G on the coding strand, the complement: MYO5B is on the minus strand). VCF-style: chr18-49954348-T-C. GRCh37 (hg19) VCF-style: chr18-47480718-T-C.
Other names: short protein forms N545D.
Identifiers: ClinVar variation 2081516 (VCV002081516.4), dbSNP rs2511318948, ClinGen allele CA402429068.